The following is an entry in ClinVar:

NM_198282.4(STING1):c.547A>C (p.Asn183His)

Gene: STING1 (stimulator of interferon response cGAMP interactor 1; minus strand). Cytogenetic location: 5q31.2.
Variant type: single nucleotide variant.
Coding change: c.547A>C on transcript NM_198282.4 (MANE Select); coding-DNA position 547, A replaced by C.
Protein change: p.Asn183His; replaces asparagine 183 with histidine.
Molecular consequence: missense variant.
Genome position (GRCh38, 1-based): chr5:139,478,482, T>G on the plus strand (A>C on the coding strand, the complement: STING1 is on the minus strand). VCF-style: chr5-139478482-T-G. GRCh37 (hg19) VCF-style: chr5-138858067-T-G.
Other names: c.547A>C, p.Asn183His (NM_001301738.2); c.190A>C, p.Asn64His (NM_001367258.1); short protein forms N183H, N64H.
Identifiers: ClinVar variation 1004421 (VCV001004421.9), dbSNP rs773990834, ClinGen allele CA3435375.

ClinVar aggregate classification (germline): Uncertain significance (1 of 4 stars; one submission).

Conditions:
STING-associated vasculopathy with onset in infancy. Also called: Sting-associated vasculopathy, infantile-onset. Identifiers: Orphanet 425120, MedGen C4014722, MONDO:0014405, OMIM 615934.

Allele frequency attached by ClinVar (database versions not stated): gnomAD exomes 0.00003 and 0.00002; gnomAD 0.00001; ExAC 0.00007; TOPMed 0.00001.

Submission:

Labcorp Genetics (formerly Invitae), Labcorp
Classification: Uncertain significance for STING-associated vasculopathy with onset in infancy. Last evaluated: 2020-09-08. Review status: criteria provided, single submitter. Criteria: Invitae Variant Classification Sherloc (09022015). Collection method: clinical testing. Allele origin: germline.
Comment: This sequence change replaces asparagine with histidine at codon 183 of the TMEM173 protein (p.Asn183His). The asparagine residue is moderately conserved and there is a small physicochemical difference between asparagine and histidine. This variant is present in population databases (rs773990834, ExAC 0.01%). This variant has not been reported in the literature in individuals with TMEM173-related conditions. Algorithms developed to predict the effect of missense changes on protein structure and function are either unavailable or do not agree on the potential impact of this missense change (SIFT: "Deleterious"; PolyPhen-2: "Probably Damaging"; Align-GVGD: "Class C0"). In summary, the available evidence is currently insufficient to determine the role of this variant in disease. Therefore, it has been classified as a Variant of Uncertain Significance.